The following is an entry in ClinVar:

NM_000435.3(NOTCH3):c.2689G>T (p.Gly897Cys)

Gene: NOTCH3 (notch receptor 3; minus strand). Cytogenetic location: 19p13.12.
Variant type: single nucleotide variant.
Coding change: c.2689G>T on transcript NM_000435.3 (MANE Select); coding-DNA position 2689, G replaced by T.
Protein change: p.Gly897Cys; replaces glycine 897 with cysteine.
Molecular consequence: missense variant.
Genome position (GRCh38, 1-based): chr19:15,181,679, C>A on the plus strand (G>T on the coding strand, the complement: NOTCH3 is on the minus strand). VCF-style: chr19-15181679-C-A. GRCh37 (hg19) VCF-style: chr19-15292490-C-A.
Other names: short protein forms G897C.
Identifiers: ClinVar variation 4854870 (VCV004854870.1).

ClinVar aggregate classification (germline): Uncertain significance (1 of 4 stars; one submission).

Conditions:
Cerebral arteriopathy, autosomal dominant, with subcortical infarcts and leukoencephalopathy, type 1 (CADASIL1). Also called: Cerebral arteriopathy with subcortical infarcts and leukoencephalopathy 1; DEMENTIA, HEREDITARY MULTIINFARCT TYPE; CADASIL 1; CASIL. Identifiers: Orphanet 136, MedGen C4551768, MONDO:0000914, OMIM 125310.

Submission:

3billion
Classification: Uncertain significance for Cerebral arteriopathy, autosomal dominant, with subcortical infarcts and leukoencephalopathy, type 1. Last evaluated: 2025-09-19. Review status: criteria provided, single submitter. Criteria: ACMG Guidelines, 2015. Collection method: clinical testing. Allele origin: germline. Affected: yes.
Comment: The variant is not observed in the gnomAD v4.1.0 dataset. Predicted Consequence/Location: Missense variant. Missense changes are a common disease-causing mechanism. The variant has been reported as of uncertain significance (PMID: 37479695). Therefore, this variant is classified as VUS according to the recommendation of ACMG/AMP guideline.